The following is an entry in ClinVar:

ClinVar aggregate classification (germline): Pathogenic/Likely pathogenic. Review status: criteria provided, multiple submitters, no conflicts (2 of 4 stars). 7 submissions from 7 submitters: Pathogenic (5); Likely pathogenic (1). 1 of the submissions does not count toward it. Last evaluated 2025-04-08.

Conditions:
CHD7-related disorder. Also called: CHD7-related condition.
Inborn genetic diseases. Identifiers: MedGen C0950123, MeSH D030342.
CHARGE syndrome (CHARGE). Also called: Hittner Hirsch Kreh syndrome; Coloboma, heart anomaly, choanal atresia, retardation, genital and ear anomalies; CHARGE association; Hall-Hittner syndrome; CHARGE ASSOCIATION--COLOBOMA, HEART ANOMALY, CHOANAL ATRESIA, RETARDATION, GENITAL AND EAR ANOMALIES. Identifiers: Orphanet 138, MedGen C0265354, MONDO:0008965.

Submissions (7):

3billion
Classification: Pathogenic for CHD7-related CHARGE syndrome. Last evaluated: 2025-04-08. Review status: criteria provided, single submitter. Criteria: ACMG Guidelines, 2015. Collection method: clinical testing. Allele origin: germline. Affected: yes.
Comment: The variant is observed at an extremely low frequency in the gnomAD v4.1.0 dataset (total allele frequency: <0.001%). Predicted Consequence/Location: Frameshift: predicted to result in a loss or disruption of normal protein function through protein truncation. The predicted truncated protein may be shortened by less than 10%. The variant has been previously reported as de novo in a similarly affected individual (PMID: 31564432). The variant has been observed in at least two similarly affected unrelated individuals (PMID: 18073582, 21158681, 31564432). The variant has been previously reported as assumed (i.e. paternity and maternity not confirmed) de novo in at least two similarly affected unrelated individuals (PMID: 18073582, 21158681). The variant has been reported at least twice as pathogenic with clinical assertions and evidence for the classification (ClinVar ID: VCV000267440 / PMID: 18073582). Therefore, this variant is classified as Pathogenic according to the recommendation of ACMG/AMP guideline.

Labcorp Genetics (formerly Invitae), Labcorp
Classification: Pathogenic for CHARGE syndrome. Last evaluated: 2020-12-20. Review status: criteria provided, single submitter. Criteria: Invitae Variant Classification Sherloc (09022015). Collection method: clinical testing. Allele origin: germline.
Comment: For these reasons, this variant has been classified as Pathogenic. This variant has been observed in individual(s) with CHARGE syndrome (PMID: 18073582, 31564432). In at least one individual the variant was observed to be de novo. This variant is also known as D2988fsX1. ClinVar contains an entry for this variant (Variation ID: 267440). The frequency data for this variant in the population databases is considered unreliable, as metrics indicate poor data quality at this position in the ExAC database. This sequence change creates a premature translational stop signal (p.Asp2988Glyfs*2) in the CHD7 gene. While this is not anticipated to result in nonsense mediated decay, it is expected to disrupt the last 10 amino acid(s) of the CHD7 protein.

Ambry Genetics
Classification: Pathogenic for Inborn genetic diseases. Last evaluated: 2018-10-09. Review status: criteria provided, single submitter. Criteria: Ambry exome assertion method (8-5-2015). Collection method: clinical testing. Allele origin: germline. Affected: yes. Observed: 1 variant allele.

Blueprint Genetics
Classification: Likely pathogenic for CHD7-related disorders. Last evaluated: 2018-03-28. Review status: criteria provided, single submitter. Criteria: ACMG Guidelines, 2015. Collection method: clinical testing. Allele origin: germline. Affected: yes. Observed: 1 variant allele.

Rady Children's Institute for Genomic Medicine, Rady Children's Hospital San Diego
Classification: Pathogenic for CHARGE SYNDROME. Last evaluated: 2017-08-16. Review status: criteria provided, single submitter. Criteria: ACMG Guidelines, 2015. Collection method: clinical testing. Allele origin: germline. Affected: yes. Observed: 1 variant allele.
Comment: This stop-gain variant is predicted to result in premature termination of the CHD7 protein. This variant was previously described as a de novo pathogenic variant in a patient with clinical diagnosis of CHARGE syndrome (PMID: 18073582). This variant was also recently classified as pathogenic by the Division of Genomic Diagnostics,The Children's Hospital of Philadelphia in two individuals with clinical diagnosis of CHARGE syndrome. Based on the combined evidence of the literature and potential functional effects of stop-gain variants, the p.Asp2988GlyfsTer2 variant is classified as pathogenic.

Genomic Diagnostic Laboratory, Division of Genomic Diagnostics, Children's Hospital of Philadelphia
Classification: Pathogenic for CHARGE syndrome. Last evaluated: 2016-09-05. Review status: criteria provided, single submitter. Criteria: DGD Variant Analysis Guidelines. Collection method: clinical testing. Allele origin: germline. Affected: yes. Observed: 2 variant alleles.
Comment: Clinical Testing

Genetic Services Laboratory, University of Chicago
Classification: Pathogenic. Last evaluated: 2022-03-29. Review status: no assertion criteria provided. Collection method: clinical testing. Allele origin: germline. Affected: yes. Not counted in ClinVar's aggregate classification.
Comment: DNA sequence analysis of the CHD7 gene demonstrated a one base pair duplication in exon 38, c.8962dup. This pathogenic sequence change results in an amino acid frameshift and creates a premature stop codon 1 amino acids downstream of the change, p.Asp2988Glyfs*2. This sequence change is predicted to result in an abnormal transcript, which may lead to the production of a truncated CHD7 protein with potentially abnormal function. This sequence change has been described in the gnomAD database in 2 individuals which corresponds to a population frequency of .00084% (dbSNP rs771806027). This sequence change has previously been described in a de novo state in individuals with clinical diagnosis of CHARGE syndrome (PMID: 18073582, 21158681). It has also been described in a de novo state in an individual with normosmic idiopathic hypogonadotropic hypogonadism (PMID: 27884859). These collective evidences indicate that this sequence change is pathogenic.

Literature cited by the submitters: PubMed 18073582 (cited by 3 submitters); PubMed 21158681 (cited by 3billion and Ambry Genetics); PubMed 31564432 (cited by 3billion and Labcorp Genetics (formerly Invitae), Labcorp); PubMed 27884859 (cited by Ambry Genetics); PubMed 18445044 (cited by Ambry Genetics).

NM_017780.4(CHD7):c.8962dup (p.Asp2988fs)

Gene: CHD7 (chromodomain helicase DNA binding protein 7; plus strand). Cytogenetic location: 8q12.2.
Variant type: Duplication.
Coding change: c.8962dup on transcript NM_017780.4 (MANE Select); coding-DNA position 8962, one base duplicated (G; older notation c.8962dupG).
Protein change: p.Asp2988fs; shifts the reading frame from aspartic acid 2988.
Molecular consequence: frameshift variant.
Genome position (GRCh38, 1-based): chr8:60,865,901, G duplicated; the last of 7 consecutive G bases (chr8:60,865,895-60,865,901); duplicating any one gives the same sequence. VCF-style (leftmost placement, unchanged base first): chr8-60865894-T-TG. GRCh37 (hg19) VCF-style: chr8-61778453-T-TG.
Other names: c.8962dup (LRG_176t1, NM_017780.3); c.8962dupG (NM_017780.3); c.2815dup, p.Asp939fs (NM_001316690.1); short protein forms D2988fs, D939fs.
Identifiers: ClinVar variation 267440 (VCV000267440.17), dbSNP rs771806027, ClinGen allele CA4761093.